The following is an entry in ClinVar:

ClinVar aggregate classification (germline): Uncertain significance (1 of 4 stars; one submission).

Submission:

GeneDx
Classification: Uncertain significance. Last evaluated: 2019-09-16. Review status: criteria provided, single submitter. Criteria: GeneDx Variant Classification Process June 2021. Collection method: clinical testing. Allele origin: germline. Affected: yes.
Comment: Not observed in large population cohorts (Lek et al., 2016); In silico analysis, which includes protein predictors and evolutionary conservation, supports a deleterious effect; Has not been previously published as pathogenic or benign to our knowledge; Variants in candidate genes are classified as variants of uncertain significance in accordance with ACMG guidelines (Richards et al., 2015)

NM_004818.3(DDX23):c.1137C>G (p.Ile379Met)

Gene: DDX23 (DEAD-box helicase 23; minus strand). Cytogenetic location: 12q13.12.
Variant type: single nucleotide variant.
Coding change: c.1137C>G on transcript NM_004818.3 (MANE Select); coding-DNA position 1137, C replaced by G.
Protein change: p.Ile379Met; replaces isoleucine 379 with methionine.
Molecular consequence: missense variant.
Genome position (GRCh38, 1-based): chr12:48,836,668, G>C on the plus strand (C>G on the coding strand, the complement: DDX23 is on the minus strand). VCF-style: chr12-48836668-G-C. GRCh37 (hg19) VCF-style: chr12-49230451-G-C.
Other names: short protein forms I379M.
Identifiers: ClinVar variation 1311126 (VCV001311126.2), dbSNP rs990602625, ClinGen allele CA384674366.
Genomic context (GRCh38, chr12:48,836,668, plus strand): 5'-GGGCAGAGAAGAGTCTTTCCAGGATCGGATGGGATTGGGGATCTTGCCACCTTTGGTGGT[G>C]ATGCTGTAGTCCTCACGGAAGATCCGCCAGTCCCTGTCCGTCATCTCATCTAACTTTTTC-3'
Protein context (NP_004809.2, residues 369-389): DWRIFREDYS[Ile379Met]TTKGGKIPNP